The following is an entry in ClinVar:

ClinVar aggregate classification (germline): Pathogenic. Review status: reviewed by expert panel (3 of 4 stars). 2 submissions from 2 submitters: Pathogenic (1). 1 of the submissions does not count toward it. Last evaluated 2016-10-18.

Conditions:
Breast-ovarian cancer, familial, susceptibility to, 1 (BROVCA1). Also called: BRCA1 Hereditary Breast and Ovarian Cancer; OVARIAN CANCER, SUSCEPTIBILITY TO. Identifiers: Orphanet 145, MedGen C2676676, MONDO:0011450, OMIM 604370. Disease mechanism: loss of function.

Submissions (2):

Evidence-based Network for the Interpretation of Germline Mutant Alleles (ENIGMA)
Classification: Pathogenic for Breast-ovarian cancer, familial, susceptibility to, 1. Last evaluated: 2016-10-18. Review status: reviewed by expert panel. Criteria: ENIGMA BRCA1/2 Classification Criteria (2015). Collection method: curation. Allele origin: germline.
Comment: Variant allele predicted to encode a truncated non-functional protein.

Consortium of Investigators of Modifiers of BRCA1/2 (CIMBA), c/o University of Cambridge
Classification: Pathogenic for Breast-ovarian cancer, familial, susceptibility to, 1. Last evaluated: 2015-10-02. Review status: criteria provided, single submitter. Criteria: CIMBA Mutation Classification guidelines May 2016. Collection method: clinical testing. Allele origin: germline. Not counted in ClinVar's aggregate classification.

NM_007294.4(BRCA1):c.3985_3987delinsTTTC (p.Glu1329fs)

Genes: BRCA1 (BRCA1 DNA repair associated; minus strand), LOC126862571 (BRD4-independent group 4 enhancer GRCh37_chr17:41243136-41244335; plus strand). Cytogenetic location: 17q21.31.
Variant type: Indel.
Coding change: c.3985_3987delinsTTTC on transcript NM_007294.4 (MANE Select); coding-DNA positions 3985 to 3987, GAA replaced by TTTC.
Protein change: p.Glu1329fs; shifts the reading frame from glutamic acid 1329.
Molecular consequence: frameshift variant. On other transcripts: intron variant (135).
Genome position (GRCh38, 1-based): chr17:43,091,544-43,091,546, TTC replaced by GAAA on the plus strand (GAA replaced by TTTC on the coding strand, the reverse complement: BRCA1 is on the minus strand). VCF-style: chr17-43091544-TTC-GAAA. GRCh37 (hg19) VCF-style: chr17-41243561-TTC-GAAA.
Other names: 4104_4106delinsTTTC; c.710-514_710-512delinsTTTC (NM_001408412.1, NM_001408409.1, NM_001408414.1 and 2 more transcripts); c.452-514_452-512delinsTTTC (NM_001408509.1, NM_001408508.1); c.575-514_575-512delinsTTTC (NM_001408491.1, NM_001408493.1, NM_001408490.1); c.461-514_461-512delinsTTTC (NM_001408506.1, NM_001408507.1); c.578-514_578-512delinsTTTC (NM_001408481.1, NM_001408480.1, NM_001408492.1 and 9 more transcripts); c.779-514_779-512delinsTTTC (NM_001408408.1); c.662-514_662-512delinsTTTC (NM_001408446.1, NM_001408435.1, NM_001408448.1 and 6 more transcripts); and 42 more; short protein forms E1282fs, E1329fs, E1218fs, E1240fs, E1302fs, E1161fs, E1201fs, E1259fs.
Identifiers: ClinVar variation 266425 (VCV000266425.6), dbSNP rs886040183, ClinGen allele CA10589706.